The following is an entry in ClinVar:

NM_024548.4(CEP97):c.1787A>G (p.His596Arg)

Gene: CEP97 (centrosomal protein 97; plus strand). Cytogenetic location: 3q12.3.
Variant type: single nucleotide variant.
Coding change: c.1787A>G on transcript NM_024548.4 (MANE Select); coding-DNA position 1787, A replaced by G.
Protein change: p.His596Arg; replaces histidine 596 with arginine.
Molecular consequence: missense variant.
Genome position (GRCh38, 1-based): chr3:101,758,393, A>G. VCF-style: chr3-101758393-A-G. GRCh37 (hg19) VCF-style: chr3-101477237-A-G.
Other names: c.1610A>G, p.His537Arg (NM_001303401.2); c.1685A>G, p.His562Arg (NM_001410784.1); c.1508A>G, p.His503Arg (NM_001410785.1); short protein forms H503R, H537R, H562R, H596R.
Identifiers: ClinVar variation 3607737 (VCV003607737.2).
Genomic context (GRCh38, chr3:101,758,393, plus strand): 5'-ACTACAACCCTCAAGCCAAAGATGTGCGTTACGAAATCCGGCTACGCAGAATGCAAGAGC[A>G]CATTGTCTGCTTAACTGATGAAATAAGGAGGTGGGTCAGAAGTCCTTTTGATGCACTGTT-3'
Protein context (NP_078824.2, residues 586-606): YEIRLRRMQE[His596Arg]IVCLTDEIRR

ClinVar aggregate classification (germline): Uncertain significance (1 of 4 stars; one submission).

gnomAD v4.1: 10 of 1,614,174 alleles (0.00062%); highest among the groups gnomAD compares: Non-Finnish European, 0.00085%; no homozygotes.

Submission:

Labcorp Genetics (formerly Invitae), Labcorp
Classification: Uncertain significance. Last evaluated: 2024-05-07. Review status: criteria provided, single submitter. Criteria: Invitae Variant Classification Sherloc (09022015). Collection method: clinical testing. Allele origin: germline.
Comment: This sequence change replaces histidine, which is basic and polar, with arginine, which is basic and polar, at codon 596 of the CEP97 protein (p.His596Arg). This variant is present in population databases (no rsID available, gnomAD 0.0009%). This variant has not been reported in the literature in individuals affected with CEP97-related conditions. Advanced modeling of protein sequence and biophysical properties (such as structural, functional, and spatial information, amino acid conservation, physicochemical variation, residue mobility, and thermodynamic stability) has been performed at Invitae for this missense variant, however the output from this modeling did not meet the statistical confidence thresholds required to predict the impact of this variant on CEP97 protein function. In summary, the available evidence is currently insufficient to determine the role of this variant in disease. Therefore, it has been classified as a Variant of Uncertain Significance.